The following is an entry in ClinVar:

ClinVar aggregate classification (germline): Pathogenic (1 of 4 stars; one submission).

Submission:

Labcorp Genetics (formerly Invitae), Labcorp
Classification: Pathogenic. Last evaluated: 2025-10-10. Review status: criteria provided, single submitter. Criteria: Invitae Variant Classification Sherloc (09022015). Collection method: clinical testing. Allele origin: germline.
Comment: This sequence change creates a premature translational stop signal (p.Gln293Glyfs*7) in the POC1B gene. It is expected to result in an absent or disrupted protein product. Loss-of-function variants in POC1B are known to be pathogenic (PMID: 25018096, 29220607). This variant is not present in population databases (gnomAD no frequency). This variant has not been reported in the literature in individuals affected with POC1B-related conditions. For these reasons, this variant has been classified as Pathogenic.

Literature cited by the submitters: PubMed 25018096; PubMed 29220607.

NM_172240.3(POC1B):c.877_878del (p.Gln293fs)

Genes: POC1B (POC1 centriolar protein B; minus strand), POC1B-DUSP6 (POC1B-DUSP6 readthrough; minus strand). Cytogenetic location: 12q21.33.
Variant type: Microsatellite.
Coding change: c.877_878del on transcript NM_172240.3 (MANE Select); coding-DNA positions 877 to 878, 2 bases deleted (CA; older notation c.877_878delCA).
Protein change: p.Gln293fs; shifts the reading frame from glutamine 293.
Molecular consequence: frameshift variant. On other transcripts: non-coding transcript variant (5).
Genome position (GRCh38, 1-based): chr12:89,467,618-89,467,619, TG deleted on the plus strand (CA on the coding strand, the reverse complement: POC1B is on the minus strand); deleting any 2 consecutive bases within chr12:89,467,618-89,467,624 gives the same sequence; the c. name uses the placement nearest the transcript's 3' end. VCF-style (leftmost placement, unchanged base first): chr12-89467617-CTG-C. GRCh37 (hg19) VCF-style: chr12-89861394-CTG-C.
Other names: c.877_878del, p.Gln293fs (NM_001425794.1, NM_001425795.1, NM_001425771.1 and 1 more transcripts); c.487_488del, p.Gln163fs (NM_001425796.1, NM_001425773.1); c.751_752del, p.Gln251fs (NM_001199777.2); short protein forms Q163fs, Q293fs, Q251fs.
Identifiers: ClinVar variation 4728803 (VCV004728803.1).